The following is an entry in ClinVar:

NM_000203.5(IDUA):c.269C>T (p.Thr90Ile)

Genes: IDUA (alpha-L-iduronidase; plus strand), SLC26A1 (solute carrier family 26 member 1; minus strand). Cytogenetic location: 4p16.3.
Variant type: single nucleotide variant.
Coding change: c.269C>T on transcript NM_000203.5 (MANE Select); coding-DNA position 269, C replaced by T.
Protein change: p.Thr90Ile; replaces threonine 90 with isoleucine.
Molecular consequence: missense variant. On other transcripts: 3 prime UTR variant (2), non-coding transcript variant (1), intron variant (1).
Genome position (GRCh38, 1-based): chr4:987,919, C>T. VCF-style: chr4-987919-C-T. GRCh37 (hg19) VCF-style: chr4-981707-C-T.
Other names: c.*914G>A (NM_022042.4, NM_213613.4); c.576+3209G>A (NM_134425.4); short protein forms T90I.
Identifiers: ClinVar variation 2414309 (VCV002414309.6), dbSNP rs2534008465, ClinGen allele CA355946550.
Genomic context (GRCh38, chr4:987,919, plus strand): 5'-AGCAGCTCAACCTCGCCTATGTGGGCGCCGTCCCTCACCGCGGCATCAAGCAGGTCCGGA[C>T]CCACTGGCTGCTGGAGCTTGTCACCACCAGGTGGGCGGCGGGCAGGGTCTGGGCGTCCCA-3'
Protein context (NP_000194.2, residues 80-100): VPHRGIKQVR[Thr90Ile]HWLLELVTTR

ClinVar aggregate classification (germline): Uncertain significance (1 of 4 stars; one submission).

Conditions:
Mucopolysaccharidosis type 1. Also called: IDUA deficiency; MPS I. Identifiers: Orphanet 579, MedGen C0023786, MONDO:0001586.

Submission:

Labcorp Genetics (formerly Invitae), Labcorp
Classification: Uncertain significance for Mucopolysaccharidosis type 1. Last evaluated: 2022-10-13. Review status: criteria provided, single submitter. Criteria: Invitae Variant Classification Sherloc (09022015). Collection method: clinical testing. Allele origin: germline.
Comment: In summary, the available evidence is currently insufficient to determine the role of this variant in disease. Therefore, it has been classified as a Variant of Uncertain Significance. Advanced modeling of protein sequence and biophysical properties (such as structural, functional, and spatial information, amino acid conservation, physicochemical variation, residue mobility, and thermodynamic stability) performed at Invitae indicates that this missense variant is not expected to disrupt IDUA protein function. This variant has not been reported in the literature in individuals affected with IDUA-related conditions. This variant is not present in population databases (gnomAD no frequency). This sequence change replaces threonine, which is neutral and polar, with isoleucine, which is neutral and non-polar, at codon 90 of the IDUA protein (p.Thr90Ile).